The following is an entry in ClinVar:

ClinVar aggregate classification (germline): Uncertain significance (1 of 4 stars; one submission).

Conditions:
FAT3-related disorder. Also called: FAT3-related condition.

Submission:

PreventionGenetics, part of Exact Sciences
Classification: Uncertain significance for FAT3-related condition. Last evaluated: 2026-09-22. Review status: criteria provided, single submitter. Criteria: ACMG Guidelines, 2015. Collection method: clinical testing. Allele origin: germline.
Comment: The FAT3 c.2909A>T variant is predicted to result in the amino acid substitution p.Gln970Leu. To our knowledge, this variant has not been reported in the literature or in a large population database (gnomAD), indicating this variant is rare. At this time, the clinical significance of this variant is uncertain due to the absence of conclusive functional and genetic evidence.

NM_001367949.2(FAT3):c.2909A>T (p.Gln970Leu)

Gene: FAT3 (FAT atypical cadherin 3; plus strand). Cytogenetic location: 11q14.3.
Variant type: single nucleotide variant.
Coding change: c.2909A>T on transcript NM_001367949.2 (MANE Select); coding-DNA position 2909, A replaced by T.
Protein change: p.Gln970Leu; replaces glutamine 970 with leucine.
Molecular consequence: missense variant.
Genome position (GRCh38, 1-based): chr11:92,355,021, A>T. VCF-style: chr11-92355021-A-T. GRCh37 (hg19) VCF-style: chr11-92088187-A-T.
Other names: c.2909A>T, p.Gln970Leu (NM_001008781.3, NM_001378141.1); short protein forms Q970L.
Identifiers: ClinVar variation 4992580 (VCV004992580.1).